The following is an entry in ClinVar:

NM_001134831.2(AHI1):c.1642C>T (p.Arg548Cys)

Gene: AHI1 (Abelson helper integration site 1; minus strand). Cytogenetic location: 6q23.3.
Variant type: single nucleotide variant.
Coding change: c.1642C>T on transcript NM_001134831.2 (MANE Select); coding-DNA position 1642, C replaced by T.
Protein change: p.Arg548Cys; replaces arginine 548 with cysteine.
Molecular consequence: missense variant.
Genome position (GRCh38, 1-based): chr6:135,447,145, G>A on the plus strand (C>T on the coding strand, the complement: AHI1 is on the minus strand). VCF-style: chr6-135447145-G-A. GRCh37 (hg19) VCF-style: chr6-135768283-G-A.
Other names: c.1642C>T, p.Arg548Cys (NM_001134830.2, NM_001134832.2, NM_001350503.2 and 2 more transcripts); short protein forms R548C.
Identifiers: ClinVar variation 847787 (VCV000847787.13), dbSNP rs553366477, ClinGen allele CA4012550.

ClinVar aggregate classification (germline): Conflicting classifications of pathogenicity. Review status: criteria provided, conflicting classifications (1 of 4 stars). 4 submissions from 4 submitters: Uncertain significance (2); Likely benign (1). 1 of the submissions does not count toward it. Last evaluated 2025-12-09.

Conditions:
AHI1-related disorder. Also called: AHI1-related condition.
Inborn genetic diseases. Identifiers: MedGen C0950123, MeSH D030342.
Joubert syndrome 3 (JBTS3). Also called: AHI1-related Ciliopathy. Identifiers: Orphanet 220493, MedGen C1837713, MONDO:0012078, OMIM 608629.
Joubert syndrome. Also called: CEREBELLOPARENCHYMAL DISORDER IV; JOUBERT-BOLTSHAUSER SYNDROME; Familial aplasia of the vermis. Identifiers: Orphanet 475, MedGen C5979921, MONDO:0018772.

Allele frequency attached by ClinVar (database versions not stated): gnomAD exomes 0.00003; ExAC 0.00004; TOPMed 0.00009; gnomAD 0.00011; 1000 Genomes Project 30x 0.00016; 1000 Genomes Project 0.00020.
gnomAD v4.1: 41 of 1,565,598 alleles (0.0026%); highest among the groups gnomAD compares: African/African-American, 0.034%; no homozygotes.

Submissions (4):

Labcorp Genetics (formerly Invitae), Labcorp
Classification: Likely benign for Joubert syndrome. Last evaluated: 2025-12-09. Review status: criteria provided, single submitter. Criteria: Invitae Variant Classification Sherloc (09022015). Collection method: clinical testing. Allele origin: germline.

Ambry Genetics
Classification: Uncertain significance for Inborn genetic diseases. Last evaluated: 2024-04-15. Review status: criteria provided, single submitter. Criteria: Ambry Variant Classification Scheme 2023. Collection method: clinical testing. Allele origin: germline.

Fulgent Genetics
Classification: Uncertain significance for Joubert syndrome 3. Last evaluated: 2022-04-08. Review status: criteria provided, single submitter. Criteria: ACMG Guidelines, 2015. Collection method: clinical testing. Allele origin: unknown.

PreventionGenetics, part of Exact Sciences
Classification: Uncertain significance for AHI1-related condition. Last evaluated: 2024-09-12. Review status: no assertion criteria provided. Collection method: clinical testing. Allele origin: germline. Not counted in ClinVar's aggregate classification.
Comment: The AHI1 c.1642C>T variant is predicted to result in the amino acid substitution p.Arg548Cys. To our knowledge, this variant has not been reported in the literature. This variant is reported in 0.031% of alleles in individuals of African descent in gnomAD. At this time, the clinical significance of this variant is uncertain due to the absence of conclusive functional and genetic evidence.